The following is an entry in ClinVar:

ClinVar aggregate classification (germline): Uncertain significance (1 of 4 stars; one submission).

Allele frequency attached by ClinVar (database versions not stated): gnomAD 0.00002; TOPMed 0.00003; gnomAD exomes 0.00006; ESP Exome Variant Server 0.00008; ExAC 0.00009; 1000 Genomes Project 30x 0.00016; 1000 Genomes Project 0.00020.
gnomAD v4.1: 76 of 1,613,430 alleles (0.0047%); highest among the groups gnomAD compares: Middle Eastern, 0.016%; no homozygotes.

Submission:

Labcorp Genetics (formerly Invitae), Labcorp
Classification: Uncertain significance. Last evaluated: 2025-10-17. Review status: criteria provided, single submitter. Criteria: Invitae Variant Classification Sherloc (09022015). Collection method: clinical testing. Allele origin: germline.
Comment: This sequence change replaces valine, which is neutral and non-polar, with phenylalanine, which is neutral and non-polar, at codon 333 of the GCKR protein (p.Val333Phe). This variant is present in population databases (rs137875032, gnomAD 0.01%). This missense change has been observed in individual(s) with dyslipidemia (PMID: 36325899). ClinVar contains an entry for this variant (Variation ID: 1503400). Invitae Evidence Modeling of protein sequence and biophysical properties (such as structural, functional, and spatial information, amino acid conservation, physicochemical variation, residue mobility, and thermodynamic stability) indicates that this missense variant is not expected to disrupt GCKR protein function with a negative predictive value of 80%. In summary, the available evidence is currently insufficient to determine the role of this variant in disease. Therefore, it has been classified as a Variant of Uncertain Significance.

Literature cited by the submitters: PubMed 36325899.

NM_001486.4(GCKR):c.997G>T (p.Val333Phe)

Gene: GCKR (glucokinase regulator; plus strand). Cytogenetic location: 2p23.3.
Variant type: single nucleotide variant.
Coding change: c.997G>T on transcript NM_001486.4 (MANE Select); coding-DNA position 997, G replaced by T.
Protein change: p.Val333Phe; replaces valine 333 with phenylalanine.
Molecular consequence: missense variant.
Genome position (GRCh38, 1-based): chr2:27,506,816, G>T. VCF-style: chr2-27506816-G-T. GRCh37 (hg19) VCF-style: chr2-27729683-G-T.
Other names: short protein forms V333F.
Identifiers: ClinVar variation 1503400 (VCV001503400.6), dbSNP rs137875032, ClinGen allele CA1581818.